The following is an entry in ClinVar:

NM_000222.3(KIT):c.463C>G (p.Pro155Ala)

Gene: KIT (KIT proto-oncogene, receptor tyrosine kinase; plus strand). Cytogenetic location: 4q12.
Variant type: single nucleotide variant.
Coding change: c.463C>G on transcript NM_000222.3 (MANE Select); coding-DNA position 463, C replaced by G.
Protein change: p.Pro155Ala; replaces proline 155 with alanine.
Molecular consequence: missense variant.
Genome position (GRCh38, 1-based): chr4:54,698,409, C>G. VCF-style: chr4-54698409-C-G. GRCh37 (hg19) VCF-style: chr4-55564575-C-G.
Other names: c.463C>G, p.Pro155Ala (NM_001385288.1, NM_001385290.1, NM_001385292.1 and 4 more transcripts); short protein forms P155A.
Identifiers: ClinVar variation 3864530 (VCV003864530.2).

ClinVar aggregate classification (germline): Uncertain significance. Review status: criteria provided, multiple submitters, no conflicts (2 of 4 stars). 2 submissions from 2 submitters: Uncertain significance (2). Last evaluated 2026-02-03.

Conditions:
Gastrointestinal stromal tumor. Also called: Gastrointestinal stromal tumor, somatic; Gastrointestinal stroma tumor. Identifiers: Orphanet 44890, MedGen C0238198, MeSH D046152, MONDO:0011719, OMIM 606764, HP:0100723.
Hereditary cancer-predisposing syndrome. Also called: Neoplastic Syndromes, Hereditary; Tumor predisposition; Hereditary Cancer Syndrome; Hereditary neoplastic syndrome. Identifiers: Orphanet 140162, MedGen C0027672, MeSH D009386, MONDO:0015356.

Submissions (2):

Labcorp Genetics (formerly Invitae), Labcorp
Classification: Uncertain significance for Gastrointestinal stromal tumor. Last evaluated: 2026-02-03. Review status: criteria provided, single submitter. Criteria: Invitae Variant Classification Sherloc (09022015). Collection method: clinical testing. Allele origin: germline.
Comment: This sequence change replaces proline, which is neutral and non-polar, with alanine, which is neutral and non-polar, at codon 155 of the KIT protein (p.Pro155Ala). This variant is not present in population databases (gnomAD no frequency). This variant has not been reported in the literature in individuals affected with KIT-related conditions. ClinVar contains an entry for this variant (Variation ID: 3864530). An algorithm developed to predict the effect of missense changes on protein structure and function (PolyPhen-2) suggests that this variant is likely to be tolerated. In summary, the available evidence is currently insufficient to determine the role of this variant in disease. Therefore, it has been classified as a Variant of Uncertain Significance.

Ambry Genetics
Classification: Uncertain significance for Hereditary cancer-predisposing syndrome. Last evaluated: 2024-12-31. Review status: criteria provided, single submitter. Criteria: Ambry Variant Classification Scheme 2023. Collection method: clinical testing. Allele origin: germline.
Comment: The p.P155A variant (also known as c.463C>G), located in coding exon 3 of the KIT gene, results from a C to G substitution at nucleotide position 463. The proline at codon 155 is replaced by alanine, an amino acid with highly similar properties. This amino acid position is conserved. In addition, this alteration is predicted to be tolerated by in silico analysis. Based on the available evidence, the clinical significance of this variant remains unclear.